The following is an entry in ClinVar:

ClinVar aggregate classification (germline): Likely benign (0 of 4 stars; one submission).

Conditions:
TBX3-related disorder. Also called: TBX3-related condition.

Allele frequency attached by ClinVar (database versions not stated): gnomAD exomes 0.00001; TOPMed 0.00001; ExAC 0.00010.

Submission:

PreventionGenetics, part of Exact Sciences
Classification: Likely benign for TBX3-related condition. Last evaluated: 2022-08-24. Review status: no assertion criteria provided. Collection method: clinical testing. Allele origin: germline.
Comment: This variant is classified as likely benign based on ACMG/AMP sequence variant interpretation guidelines (Richards et al. 2015 PMID: 25741868, with internal and published modifications).

NM_005996.4(TBX3):c.1797C>T (p.Ala599=)

Gene: TBX3 (T-box transcription factor 3; minus strand). Cytogenetic location: 12q24.21.
Variant type: single nucleotide variant.
Coding change: c.1797C>T on transcript NM_005996.4 (MANE Select); coding-DNA position 1797, C replaced by T.
Protein change: p.Ala599=; no amino-acid change (alanine 599 retained).
Molecular consequence: synonymous variant.
Genome position (GRCh38, 1-based): chr12:114,672,216, G>A on the plus strand (C>T on the coding strand, the complement: TBX3 is on the minus strand). VCF-style: chr12-114672216-G-A. GRCh37 (hg19) VCF-style: chr12-115110021-G-A.
Other names: c.1857C>T, p.Ala619= (NM_016569.4).
Identifiers: ClinVar variation 3032084 (VCV003032084.2), dbSNP rs762052798, ClinGen allele CA6809845.